The following is an entry in ClinVar:

NM_021098.3(CACNA1H):c.4474_4476+11dup

Gene: CACNA1H (calcium voltage-gated channel subunit alpha1 H; plus strand). Cytogenetic location: 16p13.3.
Variant type: Duplication.
Coding change: c.4474_4476+11dup on transcript NM_021098.3 (MANE Select); coding-DNA position 4474 through 11 bases into the intron after coding-DNA position 4476, 14 bases duplicated (CAGGTGGGCTGGGC).
Molecular consequence: splice donor variant.
Genome position (GRCh38, 1-based): chr16:1,211,604-1,211,617, CAGGTGGGCTGGGC duplicated; duplicating any 14 consecutive bases within chr16:1,211,598-1,211,617 gives the same sequence; the c. name uses the placement nearest the transcript's 3' end. VCF-style (leftmost placement, unchanged base first): chr16-1211597-C-CCTGGGCCAGGTGGG. GRCh37 (hg19) VCF-style: chr16-1261597-C-CCTGGGCCAGGTGGG.
Other names: c.4474_4476+11dup (NM_001005407.2).
Identifiers: ClinVar variation 3578371 (VCV003578371.3).

ClinVar aggregate classification (germline): Uncertain significance. Review status: criteria provided, multiple submitters, no conflicts (2 of 4 stars). 2 submissions from 2 submitters: Uncertain significance (2). Last evaluated 2025-04-13.

Conditions:
Idiopathic generalized epilepsy. Also called: Generalised epilepsy; EIG. Identifiers: MedGen C0270850, MONDO:0005579, OMIM 600669.
Hyperaldosteronism, familial, type IV (HALD4). Also called: FH IV; ALDOSTERONISM, PRIMARY, AND HYPERTENSION. Identifiers: Orphanet 642671, MedGen C4310756, MONDO:0014875, OMIM 617027.
Epilepsy, childhood absence, susceptibility to, 6. Identifiers: Orphanet 64280, MedGen C2749872, MONDO:0012763, OMIM 611942.

Submissions (2):

Labcorp Genetics (formerly Invitae), Labcorp
Classification: Uncertain significance for Idiopathic generalized epilepsy; Hyperaldosteronism, familial, type IV. Last evaluated: 2025-04-13. Review status: criteria provided, single submitter. Criteria: Invitae Variant Classification Sherloc (09022015). Collection method: clinical testing. Allele origin: germline.
Comment: This sequence change falls in intron 23 of the CACNA1H gene. It does not directly change the encoded amino acid sequence of the CACNA1H protein. This variant is not present in population databases (gnomAD no frequency). This variant has not been reported in the literature in individuals affected with CACNA1H-related conditions. ClinVar contains an entry for this variant (Variation ID: 3578371). Experimental studies and prediction algorithms are not available or were not evaluated, and the effect of this variant on mRNA splicing is currently unknown. In summary, the available evidence is currently insufficient to determine the role of this variant in disease. Therefore, it has been classified as a Variant of Uncertain Significance.

Fulgent Genetics
Classification: Uncertain significance for Epilepsy, childhood absence, susceptibility to, 6; Hyperaldosteronism, familial, type IV. Last evaluated: 2024-05-24. Review status: criteria provided, single submitter. Criteria: ACMG Guidelines, 2015. Collection method: clinical testing. Allele origin: germline.